The following is an entry in ClinVar:

ClinVar aggregate classification (germline): Pathogenic (1 of 4 stars; one submission).

Conditions:
DCHS1-Related Disorders.

Submission:

Women's Health and Genetics/Laboratory Corporation of America, LabCorp
Classification: Pathogenic for DCHS1-Related Disorders. Last evaluated: 2025-12-15. Review status: criteria provided, single submitter. Criteria: LabCorp Variant Classification Summary - May 2015. Collection method: clinical testing. Allele origin: germline.
Comment: Variant summary: DCHS1 c.3782_3825del44 (p.Ser1261CysfsX20) results in a premature termination codon, predicted to cause a truncation of the encoded protein or absence of the protein due to nonsense mediated decay, which are commonly known mechanisms for disease. The variant was absent in 247020 control chromosomes. To our knowledge, no occurrence of c.3782_3825del44 in individuals affected with DCHS1-related conditions and no experimental evidence demonstrating its impact on protein function have been reported. No submitters have cited clinical-significance assessments for this variant to ClinVar. Based on the evidence outlined above, the variant was classified as pathogenic.

NM_003737.4(DCHS1):c.3782_3825del (p.Ser1261fs)

Gene: DCHS1 (dachsous cadherin-related 1; minus strand). Cytogenetic location: 11p15.4.
Variant type: Deletion.
Coding change: c.3782_3825del on transcript NM_003737.4 (MANE Select); coding-DNA positions 3782 to 3825, 44 bases deleted.
Protein change: p.Ser1261fs; shifts the reading frame from serine 1261.
Molecular consequence: frameshift variant.
Genome position (GRCh38, 1-based): chr11:6,631,158-6,631,201, 44 bases deleted; deleting any 44 consecutive bases within chr11:6,631,158-6,631,203 gives the same sequence; the c. name uses the placement nearest the transcript's 3' end. GRCh37 (hg19): chr11:6,652,391-6,652,434.
Other names: c.3782_3825del44 (NM_003737.4); short protein forms S1261fs.
Identifiers: ClinVar variation 4688290 (VCV004688290.1).
Genomic context (GRCh38, chr11:6,631,157, plus strand): 5'-GGTCATGAGCACTCAGTGTCAGCACATAGTGGGGCCGCTCTGCTCGGATCAGGGGAGCTG[CAGTGAGCAGCTCCCCTGAGTGAGGGTGCAGAGAGAAAAGCTCTG>C]AGCCAGGACCTGGGGACAGGCAGAGGAAGATGAGGGCTTGGGGCCCAGAGCTGGGCAGGC-3'